The following is an entry in ClinVar:

NM_006269.2(RP1):c.328A>G (p.Arg110Gly)

Gene: RP1 (RP1 axonemal microtubule associated; plus strand). Cytogenetic location: 8q12.1.
Variant type: single nucleotide variant.
Coding change: c.328A>G on transcript NM_006269.2 (MANE Select); coding-DNA position 328, A replaced by G.
Protein change: p.Arg110Gly; replaces arginine 110 with glycine.
Molecular consequence: missense variant.
Genome position (GRCh38, 1-based): chr8:54,621,294, A>G. VCF-style: chr8-54621294-A-G. GRCh37 (hg19) VCF-style: chr8-55533854-A-G.
Other names: c.328A>G, p.Arg110Gly (NM_001375654.1); short protein forms R110G.
Identifiers: ClinVar variation 1035103 (VCV001035103.8), dbSNP rs1805859214, ClinGen allele CA370986311.
Genomic context (GRCh38, chr8:54,621,294, plus strand): 5'-CACAGCATCACGCGCCTGGAGGAGCTGGAGGACGGCGAGTCCTACCTATGTTCCCACGGC[A>G]GGAAGGTGCAGCCTGTAGACCTGGACAAAGCCCGTCGGCGCCCGCGGCCCTGGCTCAGCA-3'
Protein context (NP_006260.1, residues 100-120): DGESYLCSHG[Arg110Gly]KVQPVDLDKA

ClinVar aggregate classification (germline): Uncertain significance (1 of 4 stars; one submission).

Submission:

Labcorp Genetics (formerly Invitae), Labcorp
Classification: Uncertain significance. Last evaluated: 2020-07-01. Review status: criteria provided, single submitter. Criteria: Invitae Variant Classification Sherloc (09022015). Collection method: clinical testing. Allele origin: germline.
Comment: This variant is not present in population databases (ExAC no frequency). This sequence change replaces arginine with glycine at codon 110 of the RP1 protein (p.Arg110Gly). The arginine residue is weakly conserved and there is a moderate physicochemical difference between arginine and glycine. This variant has not been reported in the literature in individuals with RP1-related conditions. In summary, the available evidence is currently insufficient to determine the role of this variant in disease. Therefore, it has been classified as a Variant of Uncertain Significance. Algorithms developed to predict the effect of missense changes on protein structure and function (SIFT, PolyPhen-2, Align-GVGD) all suggest that this variant is likely to be disruptive, but these predictions have not been confirmed by published functional studies and their clinical significance is uncertain.